The following is an entry in ClinVar:

NM_006015.6(ARID1A):c.6437A>G (p.Lys2146Arg)

Gene: ARID1A (AT-rich interaction domain 1A; plus strand). Cytogenetic location: 1p36.11.
Variant type: single nucleotide variant.
Coding change: c.6437A>G on transcript NM_006015.6 (MANE Select); coding-DNA position 6437, A replaced by G.
Protein change: p.Lys2146Arg; replaces lysine 2146 with arginine.
Molecular consequence: missense variant.
Genome position (GRCh38, 1-based): chr1:26,780,335, A>G. VCF-style: chr1-26780335-A-G. GRCh37 (hg19) VCF-style: chr1-27106826-A-G.
Other names: c.5786A>G, p.Lys1929Arg (NM_139135.4); short protein forms K1929R, K2146R.
Identifiers: ClinVar variation 1343286 (VCV001343286.1), dbSNP rs2124149077, ClinGen allele CA339192379.

ClinVar aggregate classification (germline): Uncertain significance (1 of 4 stars; one submission).

Conditions:
Intellectual disability, autosomal dominant 14 (CSS2). Also called: COFFIN-SIRIS SYNDROME 2. Identifiers: Orphanet 1465, MedGen C3553247, MONDO:0013819, OMIM 614607.

Submission:

Institute of Human Genetics, Clinical Exome/Genome Diagnostics Group, University Hospital Bonn
Classification: Uncertain significance for Intellectual disability, autosomal dominant 14. Last evaluated: 2021-01-13. Review status: criteria provided, single submitter. Criteria: ACMG Guidelines, 2015. Collection method: clinical testing. Allele origin: germline. Affected: yes.
Comment: PM2, PP2, BP1